The following is an entry in ClinVar:

ClinVar aggregate classification (germline): Likely pathogenic (1 of 4 stars; one submission).

Conditions:
Marfan syndrome (MFS). Also called: FBN1-Related Marfan Syndrome; MARFAN SYNDROME, TYPE I; Marfan syndrome type 1; Marfan's syndrome; Marfan syndrome, classic. Identifiers: Orphanet 284963, Orphanet 558, MedGen C0024796, MONDO:0007947, OMIM 154700.

Submission:

Institute for Clinical Genetics, University Hospital TU Dresden, University Hospital TU Dresden
Classification: Likely pathogenic for Marfan syndrome. Last evaluated: 2025-03-13. Review status: criteria provided, single submitter. Criteria: ACMG Guidelines, 2015. Collection method: clinical testing. Allele origin: de novo. Affected: yes.
Comment: The potential splice variant in FBN1 (NM_000138.5:c.6496+5G>A) may result in defective splicing of the mRNA. Bioinformatic prediction algorithms to assess the effect on splicing efficiency estimate the variant as relevant (SpliceAI-Δ: DL 0.49 / +5 bp, DG 0.59 / +9 bp, AL 0.23 / +121 bp, PMID: 30661751). However, an actual splicing effect has not yet been functionally investigated. This variant is not listed in the population database gnomAD v4.1.0. The phenotype of the index person indicates an FBN1-associated disease with a significantly high a priori probability (> 90%) (GeneReviews - NBK1335). According to the current ClinGen-VCEP specifications for the ACMG/AMP guidelines for the assessment of FBN1 variants, the criteria PS2, PM2_SUP, PP3, PP4 are fulfilled, resulting in an assessment as a variant of unclear significance (ACMG class 4).

NM_000138.5(FBN1):c.6496+5G>A

Gene: FBN1 (fibrillin 1; minus strand). Cytogenetic location: 15q21.1.
Variant type: single nucleotide variant.
Coding change: c.6496+5G>A on transcript NM_000138.5 (MANE Select); 5 bases into the intron after coding-DNA position 6496, G replaced by A.
Molecular consequence: intron variant.
Genome position (GRCh38, 1-based): chr15:48,436,956, C>T on the plus strand (G>A on the coding strand, the complement: FBN1 is on the minus strand). VCF-style: chr15-48436956-C-T. GRCh37 (hg19) VCF-style: chr15-48729153-C-T.
Other names: c.6496+5G>A (NM_001406716.1).
Identifiers: ClinVar variation 4850101 (VCV004850101.1).